The following is an entry in ClinVar:

NM_002599.5(PDE2A):c.1922+4C>T

Gene: PDE2A (phosphodiesterase 2A; minus strand). Cytogenetic location: 11q13.4.
Variant type: single nucleotide variant.
Coding change: c.1922+4C>T on transcript NM_002599.5 (MANE Select); 4 bases into the intron after coding-DNA position 1922, C replaced by T.
Molecular consequence: intron variant.
Genome position (GRCh38, 1-based): chr11:72,581,873, G>A on the plus strand (C>T on the coding strand, the complement: PDE2A is on the minus strand). VCF-style: chr11-72581873-G-A. GRCh37 (hg19) VCF-style: chr11-72292917-G-A.
Other names: c.1895+4C>T (NM_001146209.3); c.1901+4C>T (NM_001143839.4); c.1859+4C>T (NM_001243784.2).
Identifiers: ClinVar variation 1424277 (VCV001424277.7), dbSNP rs746731679, ClinGen allele CA6172005.
Genomic context (GRCh38, chr11:72,581,873, plus strand): 5'-CAACGGATGTGACAGTAGAGGAAAGAGGGAGGCGAAGACTGGGGCTGTCTGTGGGCGCAC[G>A]AACCGGGCCAGGGTCGGGCAGTCAATTTTGTAGTTGTTGATGAAATTCATGTCCTGCAGC-3'

ClinVar aggregate classification (germline): Uncertain significance. Review status: criteria provided, multiple submitters, no conflicts (2 of 4 stars). 2 submissions from 2 submitters: Uncertain significance (2). Last evaluated 2021-11-23.

Allele frequency attached by ClinVar (database versions not stated): TOPMed 0.00001; ExAC 0.00002; gnomAD exomes 0.00002; gnomAD 0.00003.
gnomAD v4.1: 29 of 1,613,510 alleles (0.0018%); highest among the groups gnomAD compares: African/African-American, 0.0053%; no homozygotes.

Submissions (2):

Labcorp Genetics (formerly Invitae), Labcorp
Classification: Uncertain significance. Last evaluated: 2021-11-23. Review status: criteria provided, single submitter. Criteria: Invitae Variant Classification Sherloc (09022015). Collection method: clinical testing. Allele origin: germline.
Comment: In summary, the available evidence is currently insufficient to determine the role of this variant in disease. Therefore, it has been classified as a Variant of Uncertain Significance. Variants that disrupt the consensus splice site are a relatively common cause of aberrant splicing (PMID: 17576681, 9536098). Algorithms developed to predict the effect of sequence changes on RNA splicing suggest that this variant may disrupt the consensus splice site. This variant has not been reported in the literature in individuals affected with PDE2A-related conditions. This variant is present in population databases (rs746731679, gnomAD 0.01%). This sequence change falls in intron 22 of the PDE2A gene. It does not directly change the encoded amino acid sequence of the PDE2A protein. It affects a nucleotide within the consensus splice site.

Breakthrough Genomics
Classification: Uncertain significance. Review status: criteria provided, single submitter. Criteria: ACMG Guidelines, 2015. Collection method: not provided. Allele origin: germline. Inheritance: Autosomal recessive inheritance. Affected: yes.

Literature cited by the submitters: PubMed 17576681 (cited by Labcorp Genetics (formerly Invitae), Labcorp); PubMed 9536098 (cited by Labcorp Genetics (formerly Invitae), Labcorp).